The following is an entry in ClinVar:

ClinVar aggregate classification (germline): Likely benign (0 of 4 stars; one submission).

Conditions:
BBS4-related disorder. Also called: BBS4-related condition.

Submission:

PreventionGenetics, part of Exact Sciences
Classification: Likely benign for BBS4-related condition. Last evaluated: 2024-09-04. Review status: no assertion criteria provided. Collection method: clinical testing. Allele origin: germline.
Comment: This variant is classified as likely benign based on ACMG/AMP sequence variant interpretation guidelines (Richards et al. 2015 PMID: 25741868, with internal and published modifications).

NM_033028.5(BBS4):c.1106+8C>G

Gene: BBS4 (Bardet-Biedl syndrome 4; plus strand). Cytogenetic location: 15q24.1.
Variant type: single nucleotide variant.
Coding change: c.1106+8C>G on transcript NM_033028.5 (MANE Select); 8 bases into the intron after coding-DNA position 1106, C replaced by G.
Molecular consequence: intron variant.
Genome position (GRCh38, 1-based): chr15:72,735,190, C>G. VCF-style: chr15-72735190-C-G. GRCh37 (hg19) VCF-style: chr15-73027531-C-G.
Other names: c.1037+8C>G (NM_001320665.2); c.590+8C>G (NM_001252678.2).
Identifiers: ClinVar variation 3345888 (VCV003345888.1).
Genomic context (GRCh38, chr15:72,735,190, plus strand): 5'-GAAGATATAGAAAATGCCAAGAGAGCCTACGCAGAAGCAGTCCACCTGGATAAGTATGCA[C>G]TTTGTTGAGAATGGTACTGGCGGGGGTTGGACTCTCCAAAGCCATGAGGTGGTGCCATAC-3'